The following is an entry in ClinVar:

NM_199420.4(POLQ):c.1987A>G (p.Thr663Ala)

Gene: POLQ (DNA polymerase theta; minus strand). Cytogenetic location: 3q13.33.
Variant type: single nucleotide variant.
Coding change: c.1987A>G on transcript NM_199420.4 (MANE Select); coding-DNA position 1987, A replaced by G.
Protein change: p.Thr663Ala; replaces threonine 663 with alanine.
Molecular consequence: missense variant.
Genome position (GRCh38, 1-based): chr3:121,498,643, T>C on the plus strand (A>G on the coding strand, the complement: POLQ is on the minus strand). VCF-style: chr3-121498643-T-C. GRCh37 (hg19) VCF-style: chr3-121217490-T-C.
Other names: short protein forms T663A.
Identifiers: ClinVar variation 1783884 (VCV001783884.2), dbSNP rs770911140, ClinGen allele CA2563394.
Genomic context (GRCh38, chr3:121,498,643, plus strand): 5'-CCCTTTTCATTGAAGTTGGCAACTTCTCCCATAAACAGAAAAATCGATACCAATCAATAG[T>C]AGTCCAATCCTCAAACATAGGTGTAACCTAAAAGGAAGAAGTATTATTCATTAACTAAAA-3'
Protein context (NP_955452.3, residues 653-673): LVTPMFEDWT[Thr663Ala]IDWYRFFCLW

ClinVar aggregate classification (germline): Uncertain significance (1 of 4 stars; one submission).

Allele frequency attached by ClinVar (database versions not stated): TOPMed below 0.00001; ExAC 0.00002.
gnomAD v4.1: 5 of 1,612,760 alleles (0.00031%); highest among the groups gnomAD compares: African/African-American, 0.0027%; no homozygotes.

Submission:

Ambry Genetics
Classification: Uncertain significance. Last evaluated: 2021-12-23. Review status: criteria provided, single submitter. Criteria: Ambry Variant Classification Scheme 2023. Collection method: clinical testing. Allele origin: germline.
Comment: The p.T663A variant (also known as c.1987A>G), located in coding exon 13 of the POLQ gene, results from an A to G substitution at nucleotide position 1987. The threonine at codon 663 is replaced by alanine, an amino acid with similar properties. This amino acid position is conserved. In addition, this alteration is predicted to be tolerated by in silico analysis. Since supporting evidence is limited at this time, the clinical significance of this alteration remains unclear.